The following is an entry in ClinVar:

ClinVar aggregate classification (germline): Uncertain significance (1 of 4 stars; one submission).

Submission:

Ambry Genetics
Classification: Uncertain significance. Last evaluated: 2024-07-09. Review status: criteria provided, single submitter. Criteria: Ambry Variant Classification Scheme 2023. Collection method: clinical testing. Allele origin: germline.
Comment: The p.F3144V variant (also known as c.9430T>G), located in coding exon 67 of the PRKDC gene, results from a T to G substitution at nucleotide position 9430. The phenylalanine at codon 3144 is replaced by valine, an amino acid with highly similar properties. This amino acid position is conserved. In addition, this alteration is predicted to be deleterious by in silico analysis. Based on the available evidence, the clinical significance of this variant remains unclear.

NM_006904.7(PRKDC):c.9430T>G (p.Phe3144Val)

Gene: PRKDC (protein kinase, DNA-activated, catalytic subunit; minus strand). Cytogenetic location: 8q11.21.
Variant type: single nucleotide variant.
Coding change: c.9430T>G on transcript NM_006904.7 (MANE Select); coding-DNA position 9430, T replaced by G.
Protein change: p.Phe3144Val; replaces phenylalanine 3144 with valine.
Molecular consequence: missense variant.
Genome position (GRCh38, 1-based): chr8:47,819,417, A>C on the plus strand (T>G on the coding strand, the complement: PRKDC is on the minus strand). VCF-style: chr8-47819417-A-C. GRCh37 (hg19) VCF-style: chr8-48731978-A-C.
Other names: c.9430T>G, p.Phe3144Val (NM_001081640.2); short protein forms F3144V.
Identifiers: ClinVar variation 3425273 (VCV003425273.1).